The following is an entry in ClinVar:

NM_000051.4(ATM):c.7573G>T (p.Ala2525Ser)

Genes: ATM (ATM serine/threonine kinase; plus strand), C11orf65 (chromosome 11 open reading frame 65; minus strand). Cytogenetic location: 11q22.3.
Variant type: single nucleotide variant.
Coding change: c.7573G>T on transcript NM_000051.4 (MANE Select); coding-DNA position 7573, G replaced by T.
Protein change: p.Ala2525Ser; replaces alanine 2525 with serine.
Molecular consequence: missense variant. On other transcripts: non-coding transcript variant (1), intron variant (2).
Genome position (GRCh38, 1-based): chr11:108,331,501, G>T. VCF-style: chr11-108331501-G-T. GRCh37 (hg19) VCF-style: chr11-108202228-G-T.
Other names: c.7573G>T, p.Ala2525Ser (NM_001351834.2); c.641-22430C>A (NM_001330368.2); c.*38+3719C>A (NM_001351110.2); short protein forms A2525S.
Identifiers: ClinVar variation 3338797 (VCV003338797.1).

ClinVar aggregate classification (germline): Uncertain significance (1 of 4 stars; one submission).

gnomAD v4.1: 1 of 1,613,378 alleles (0.000062%); highest among the groups gnomAD compares: African/African-American, 0.0013%; no homozygotes.

Submission:

GeneDx
Classification: Uncertain significance. Last evaluated: 2024-02-21. Review status: criteria provided, single submitter. Criteria: GeneDx Variant Classification Process June 2021. Collection method: clinical testing. Allele origin: germline. Affected: yes.
Comment: Not observed at significant frequency in large population cohorts (gnomAD); In silico analysis supports that this missense variant does not alter protein structure/function; Has not been previously published as pathogenic or benign to our knowledge; This variant is associated with the following publications: (PMID: 23532176)